The following is an entry in ClinVar:

ClinVar aggregate classification (germline): Uncertain significance (1 of 4 stars; one submission).

Submission:

Labcorp Genetics (formerly Invitae), Labcorp
Classification: Uncertain significance. Last evaluated: 2025-12-03. Review status: criteria provided, single submitter. Criteria: Invitae Variant Classification Sherloc (09022015). Collection method: clinical testing. Allele origin: germline.
Comment: This sequence change replaces alanine, which is neutral and non-polar, with threonine, which is neutral and polar, at codon 3261 of the VCAN protein (p.Ala3261Thr). This variant is not present in population databases (gnomAD no frequency). This variant has not been reported in the literature in individuals affected with VCAN-related conditions. ClinVar contains an entry for this variant (Variation ID: 2776464). An algorithm developed to predict the effect of missense changes on protein structure and function outputs the following: PolyPhen-2: "Benign". The threonine amino acid residue is found in multiple mammalian species, which suggests that this missense change does not adversely affect protein function. In summary, the available evidence is currently insufficient to determine the role of this variant in disease. Therefore, it has been classified as a Variant of Uncertain Significance.

NM_004385.5(VCAN):c.9781G>A (p.Ala3261Thr)

Gene: VCAN (versican; plus strand). Cytogenetic location: 5q14.3.
Variant type: single nucleotide variant.
Coding change: c.9781G>A on transcript NM_004385.5 (MANE Select); coding-DNA position 9781, G replaced by A.
Protein change: p.Ala3261Thr; replaces alanine 3261 with threonine.
Molecular consequence: missense variant.
Genome position (GRCh38, 1-based): chr5:83,572,461, G>A. VCF-style: chr5-83572461-G-A. GRCh37 (hg19) VCF-style: chr5-82868280-G-A.
Other names: c.1558G>A, p.Ala520Thr (NM_001126336.3); c.6820G>A, p.Ala2274Thr (NM_001164097.2); c.4519G>A, p.Ala1507Thr (NM_001164098.2); short protein forms A2274T, A3261T, A520T, A1507T.
Identifiers: ClinVar variation 2776464 (VCV002776464.3), dbSNP rs1748322858, ClinGen allele CA360298637.